The following is an entry in ClinVar:

NM_006035.4(CDC42BPB):c.3178T>A (p.Ser1060Thr)

Gene: CDC42BPB (CDC42 binding protein kinase beta; minus strand). Cytogenetic location: 14q32.32.
Variant type: single nucleotide variant.
Coding change: c.3178T>A on transcript NM_006035.4 (MANE Select); coding-DNA position 3178, T replaced by A.
Protein change: p.Ser1060Thr; replaces serine 1060 with threonine.
Molecular consequence: missense variant.
Genome position (GRCh38, 1-based): chr14:102,950,597, A>T on the plus strand (T>A on the coding strand, the complement: CDC42BPB is on the minus strand). VCF-style: chr14-102950597-A-T. GRCh37 (hg19) VCF-style: chr14-103416934-A-T.
Other names: c.3100T>A, p.Ser1034Thr (NM_001411054.1); short protein forms S1034T, S1060T.
Identifiers: ClinVar variation 4887532 (VCV004887532.1).

ClinVar aggregate classification (germline): Uncertain significance (1 of 4 stars; one submission).

Submission:

Women's Health and Genetics/Laboratory Corporation of America, LabCorp
Classification: Uncertain significance. Last evaluated: 2026-06-03. Review status: criteria provided, single submitter. Criteria: LabCorp Variant Classification Summary - May 2015. Collection method: clinical testing. Allele origin: germline.
Comment: Variant summary: CDC42BPB c.3178T>A (p.Ser1060Thr) results in a conservative amino acid change in the encoded protein sequence. Algorithms developed to predict the effect of missense changes on protein structure and function are either unavailable or do not agree on the potential impact of this missense change. The variant was absent in 226258 control chromosomes. The available data on variant occurrences in the general population are insufficient to allow any conclusion about variant significance. To our knowledge, no occurrence of c.3178T>A in individuals affected with CDC42BPB-related conditions and no experimental evidence demonstrating its impact on protein function have been reported. No submitters have cited clinical-significance assessments for this variant to ClinVar. Based on the evidence outlined above, the variant was classified as uncertain significance.